The following is an entry in ClinVar:

NM_000493.4(COL10A1):c.1968T>G (p.Asn656Lys)

Genes: NT5DC1 (5'-nucleotidase domain containing 1; plus strand), COL10A1 (collagen type X alpha 1 chain; minus strand). Cytogenetic location: 6q22.1.
Variant type: single nucleotide variant.
Coding change: c.1968T>G on transcript NM_000493.4 (MANE Select); coding-DNA position 1968, T replaced by G.
Protein change: p.Asn656Lys; replaces asparagine 656 with lysine.
Molecular consequence: missense variant. On other transcripts: intron variant (1).
Genome position (GRCh38, 1-based): chr6:116,120,148, A>C on the plus strand (T>G on the coding strand, the complement: COL10A1 is on the minus strand). VCF-style: chr6-116120148-A-C. GRCh37 (hg19) VCF-style: chr6-116441311-A-C.
Other names: c.1968T>G, p.Asn656Lys (NM_001424106.1, NM_001424107.1); c.529+2203A>C (NM_152729.3); short protein forms N656K.
Identifiers: ClinVar variation 2012789 (VCV002012789.4), dbSNP rs1779065599, ClinGen allele CA365386295.

ClinVar aggregate classification (germline): Uncertain significance (1 of 4 stars; one submission).

Submission:

Labcorp Genetics (formerly Invitae), Labcorp
Classification: Uncertain significance. Last evaluated: 2022-07-01. Review status: criteria provided, single submitter. Criteria: Invitae Variant Classification Sherloc (09022015). Collection method: clinical testing. Allele origin: germline.
Comment: This sequence change replaces asparagine, which is neutral and polar, with lysine, which is basic and polar, at codon 656 of the COL10A1 protein (p.Asn656Lys). This variant is not present in population databases (gnomAD no frequency). This variant has not been reported in the literature in individuals affected with COL10A1-related conditions. Algorithms developed to predict the effect of missense changes on protein structure and function (SIFT, PolyPhen-2, Align-GVGD) all suggest that this variant is likely to be disruptive. In summary, the available evidence is currently insufficient to determine the role of this variant in disease. Therefore, it has been classified as a Variant of Uncertain Significance.